The following is an entry in ClinVar:

NM_002768.5(CHMP1A):c.253-250T>C

Gene: CHMP1A (charged multivesicular body protein 1A; minus strand). Cytogenetic location: 16q24.3.
Variant type: single nucleotide variant.
Coding change: c.253-250T>C on transcript NM_002768.5 (MANE Select); 250 bases into the intron before coding-DNA position 253, T replaced by C.
Molecular consequence: intron variant.
Genome position (GRCh38, 1-based): chr16:89,647,581, A>G on the plus strand (T>C on the coding strand, the complement: CHMP1A is on the minus strand). VCF-style: chr16-89647581-A-G. GRCh37 (hg19) VCF-style: chr16-89713989-A-G.
Other names: c.233-250T>C (NM_001083314.4).
Identifiers: ClinVar variation 680105 (VCV000680105.2), dbSNP rs11076608, ClinGen allele CA14346633.

ClinVar aggregate classification (germline): Benign. Review status: criteria provided, multiple submitters, no conflicts (2 of 4 stars). 2 submissions from 2 submitters: Benign (2). Last evaluated 2018-06-16.

Allele frequency attached by ClinVar (database versions not stated): 1000 Genomes Project 0.43930.

Submissions (2):

GeneDx
Classification: Benign. Last evaluated: 2018-06-16. Review status: criteria provided, single submitter. Criteria: GeneDx Variant Classification (06012015). Collection method: clinical testing. Allele origin: germline. Affected: yes.
Comment: This variant is considered likely benign or benign based on one or more of the following criteria: it is a conservative change, it occurs at a poorly conserved position in the protein, it is predicted to be benign by multiple in silico algorithms, and/or has population frequency not consistent with disease.

Breakthrough Genomics
Classification: Benign. Review status: criteria provided, single submitter. Criteria: ACMG Guidelines, 2015. Collection method: not provided. Allele origin: germline. Inheritance: Autosomal recessive inheritance. Affected: yes.